The following is an entry in ClinVar:

NM_001101677.2(SOHLH1):c.138G>A (p.Thr46=)

Gene: SOHLH1 (spermatogenesis and oogenesis specific basic helix-loop-helix 1; minus strand). Cytogenetic location: 9q34.3.
Variant type: single nucleotide variant.
Coding change: c.138G>A on transcript NM_001101677.2 (MANE Select); coding-DNA position 138, G replaced by A.
Protein change: p.Thr46=; no amino-acid change (threonine 46 retained).
Molecular consequence: synonymous variant.
Genome position (GRCh38, 1-based): chr9:135,699,054, C>T on the plus strand (G>A on the coding strand, the complement: SOHLH1 is on the minus strand). VCF-style: chr9-135699054-C-T. GRCh37 (hg19) VCF-style: chr9-138590900-C-T.
Other names: c.138G>A, p.Thr46= (NM_001012415.3).
Identifiers: ClinVar variation 3040829 (VCV003040829.10), dbSNP rs201287340, ClinGen allele CA5326094.

ClinVar aggregate classification (germline): Likely benign. Review status: criteria provided, single submitter (1 of 4 stars). 2 submissions from 2 submitters: Likely benign (1). 1 of the submissions does not count toward it. Last evaluated 2025-07-01.

Conditions:
SOHLH1-related disorder. Also called: SOHLH1-related condition.

Allele frequency attached by ClinVar (database versions not stated): 1000 Genomes Project 30x 0.00016; 1000 Genomes Project 0.00020; gnomAD 0.00084; ESP Exome Variant Server 0.00108.
gnomAD v4.1: 1,982 of 1,611,298 alleles (0.12%); highest among the groups gnomAD compares: Non-Finnish European, 0.15%; 3 homozygotes.

Submissions (2):

CeGaT Center for Human Genetics Tuebingen
Classification: Likely benign. Last evaluated: 2025-07-01. Review status: criteria provided, single submitter. Criteria: CeGaT Center For Human Genetics Tuebingen Variant Classification Criteria Version 2. Collection method: clinical testing. Allele origin: germline. Affected: yes. Observed: 1 variant allele.
Comment: SOHLH1: BP4, BP7

PreventionGenetics, part of Exact Sciences
Classification: Likely benign for SOHLH1-related condition. Last evaluated: 2019-09-10. Review status: no assertion criteria provided. Collection method: clinical testing. Allele origin: germline. Not counted in ClinVar's aggregate classification.
Comment: This variant is classified as likely benign based on ACMG/AMP sequence variant interpretation guidelines (Richards et al. 2015 PMID: 25741868, with internal and published modifications).